The following is an entry in ClinVar:

ClinVar aggregate classification (germline): Uncertain significance (1 of 4 stars; one submission).

gnomAD v4.1: 12 of 1,610,440 alleles (0.00075%); highest among the groups gnomAD compares: Non-Finnish European, 0.00093%; no homozygotes.

Submission:

Labcorp Genetics (formerly Invitae), Labcorp
Classification: Uncertain significance. Last evaluated: 2025-05-07. Review status: criteria provided, single submitter. Criteria: Invitae Variant Classification Sherloc (09022015). Collection method: clinical testing. Allele origin: germline.
Comment: This sequence change replaces glycine, which is neutral and non-polar, with valine, which is neutral and non-polar, at codon 165 of the GRIN2D protein (p.Gly165Val). This variant is not present in population databases (gnomAD no frequency). This variant has not been reported in the literature in individuals affected with GRIN2D-related conditions. Invitae Evidence Modeling of protein sequence and biophysical properties (such as structural, functional, and spatial information, amino acid conservation, physicochemical variation, residue mobility, and thermodynamic stability) indicates that this missense variant is not expected to disrupt GRIN2D protein function with a negative predictive value of 80%. In summary, the available evidence is currently insufficient to determine the role of this variant in disease. Therefore, it has been classified as a Variant of Uncertain Significance.

NM_000836.4(GRIN2D):c.494G>T (p.Gly165Val)

Gene: GRIN2D (glutamate ionotropic receptor NMDA type subunit 2D; plus strand). Cytogenetic location: 19q13.33.
Variant type: single nucleotide variant.
Coding change: c.494G>T on transcript NM_000836.4 (MANE Select); coding-DNA position 494, G replaced by T.
Protein change: p.Gly165Val; replaces glycine 165 with valine.
Molecular consequence: missense variant.
Genome position (GRCh38, 1-based): chr19:48,404,762, G>T. VCF-style: chr19-48404762-G-T. GRCh37 (hg19) VCF-style: chr19-48908019-G-T.
Other names: short protein forms G165V.
Identifiers: ClinVar variation 4743476 (VCV004743476.1).
Genomic context (GRCh38, chr19:48,404,762, plus strand): 5'-GCAGGCCTGACATCCTCCTCCCTCCCTGGCAGGAGAAGGGCTCCACCTTCCTGCAGCTGG[G>T]CTCTTCCACCGAGCAACAGCTTCAGGTCATCTTTGAGGTGCTGGAGGAGTATGACTGGAC-3'
Protein context (NP_000827.2, residues 155-175): KEKGSTFLQL[Gly165Val]SSTEQQLQVI